The following is an entry in ClinVar:

ClinVar aggregate classification (germline): Uncertain significance. Review status: criteria provided, multiple submitters, no conflicts (2 of 4 stars). 2 submissions from 2 submitters: Uncertain significance (2). Last evaluated 2025-12-03.

Conditions:
HK1-related disorder. Also called: HK1-related disorders; HK1-related condition.

gnomAD v4.1: 9 of 1,614,216 alleles (0.00056%); highest among the groups gnomAD compares: Non-Finnish European, 0.00076%; no homozygotes.

Submissions (2):

PreventionGenetics, part of Exact Sciences
Classification: Uncertain significance for HK1-related condition. Last evaluated: 2025-12-03. Review status: criteria provided, single submitter. Criteria: ACMG Guidelines, 2015. Collection method: clinical testing. Allele origin: germline.
Comment: The HK1 c.1096G>T variant is predicted to result in the amino acid substitution p.Asp366Tyr. To our knowledge, this variant has not been reported in the literature or in a large population database (gnomAD), indicating this variant is rare. At this time, the clinical significance of this variant is uncertain due to the absence of conclusive functional and genetic evidence.

Blueprint Genetics
Classification: Uncertain significance. Last evaluated: 2023-06-01. Review status: criteria provided, single submitter. Criteria: ACMG Guidelines, 2015. Collection method: clinical testing. Allele origin: germline.

NM_000188.3(HK1):c.1096G>T (p.Asp366Tyr)

Gene: HK1 (hexokinase 1; plus strand). Cytogenetic location: 10q22.1.
Variant type: single nucleotide variant.
Coding change: c.1096G>T on transcript NM_000188.3 (MANE Select); coding-DNA position 1096, G replaced by T.
Protein change: p.Asp366Tyr; replaces aspartic acid 366 with tyrosine.
Molecular consequence: missense variant. On other transcripts: non-coding transcript variant (2), intron variant (1).
Genome position (GRCh38, 1-based): chr10:69,379,926, G>T. VCF-style: chr10-69379926-G-T. GRCh37 (hg19) VCF-style: chr10-71139682-G-T.
Other names: c.1096G>T (NM_000188.2); c.1108G>T, p.Asp370Tyr (NM_001322364.2, NM_001358263.1, NM_033497.3 and 1 more transcripts); c.1201G>T, p.Asp401Tyr (NM_001322365.2); c.1012G>T, p.Asp338Tyr (NM_001322366.1, NM_001441143.1); c.1000G>T, p.Asp334Tyr (NM_001322367.1); c.1096G>T, p.Asp366Tyr (NM_001441139.1, NM_001441141.1, NM_001441145.1 and 2 more transcripts); c.1087G>T, p.Asp363Tyr (NM_001441140.1); c.1054G>T, p.Asp352Tyr (NM_001441142.1); and 9 more; short protein forms D128Y, D153Y, D338Y, D30Y, D352Y, D366Y, D354Y, D363Y.
Identifiers: ClinVar variation 4907679 (VCV004907679.2).
Genomic context (GRCh38, chr10:69,379,926, plus strand): 5'-AAGGAAGGCCTCCACAATGCCAAAGAAATCCTGACCCGCCTGGGAGTGGAGCCGTCCGAT[G>T]ATGACTGTGTCTCAGTCCAGCACGTTTGCACCATTGTCTCATTTCGCTCAGCCAACTTGG-3'
Protein context (NP_000179.2, residues 356-376): LTRLGVEPSD[Asp366Tyr]DCVSVQHVCT